The following is an entry in ClinVar:

NM_001367624.2(ZNF469):c.644G>A (p.Gly215Asp)

Gene: ZNF469 (zinc finger protein 469; plus strand). Cytogenetic location: 16q24.2.
Variant type: single nucleotide variant.
Coding change: c.644G>A on transcript NM_001367624.2 (MANE Select); coding-DNA position 644, G replaced by A.
Protein change: p.Gly215Asp; replaces glycine 215 with aspartic acid.
Molecular consequence: missense variant.
Genome position (GRCh38, 1-based): chr16:88,428,114, G>A. VCF-style: chr16-88428114-G-A. GRCh37 (hg19) VCF-style: chr16-88494522-G-A.
Other names: NM_001127464.1:c.644G>A; short protein forms G215D.
Identifiers: ClinVar variation 3476130 (VCV003476130.1).
Genomic context (GRCh38, chr16:88,428,114, plus strand): 5'-ACTATACCTCACCAAGCGCCACCCCCAGGCCCCCAGCCCCGGGGCCCCCCCAGAGCAGGG[G>A]CACCAGCCCCCTCCAGCCCGGTTCCTATCCCGAATACCAGGCCAGTGGGGCCGACTCCTG-3'
Protein context (NP_001354553.1, residues 205-225): PPAPGPPQSR[Gly215Asp]TSPLQPGSYP

ClinVar aggregate classification (germline): Uncertain significance (1 of 4 stars; one submission).

Conditions:
Cardiovascular phenotype. Identifiers: MedGen CN230736.

gnomAD v4.1: 6 of 1,549,686 alleles (0.00039%); highest among the groups gnomAD compares: Non-Finnish European, 0.00052%; no homozygotes.

Submission:

Ambry Genetics
Classification: Uncertain significance for Cardiovascular phenotype. Last evaluated: 2024-06-27. Review status: criteria provided, single submitter. Criteria: Ambry Variant Classification Scheme 2023. Collection method: clinical testing. Allele origin: germline.
Comment: The p.G215D variant (also known as c.644G>A), located in coding exon 1 of the ZNF469 gene, results from a G to A substitution at nucleotide position 644. The glycine at codon 215 is replaced by aspartic acid, an amino acid with similar properties. This amino acid position is conserved. In addition, this alteration is predicted to be tolerated by in silico analysis. Based on the available evidence, the clinical significance of this variant remains unclear.